The following is an entry in ClinVar:

ClinVar aggregate classification (germline): Uncertain significance. Review status: criteria provided, single submitter (1 of 4 stars). 2 submissions from 2 submitters: Uncertain significance (1). 1 of the submissions does not count toward it. Last evaluated 2024-04-01.

Conditions:
Polycystic kidney disease, adult type (PKD1). Also called: Polycystic Kidney, Autosomal Dominant; POLYCYSTIC KIDNEY DISEASE 1 WITH OR WITHOUT POLYCYSTIC LIVER DISEASE; Polycystic Kidney Disease 1, Autosomal Dominant; Polycystic kidney disease 1; Polycystic kidney disease 1, severe; POLYCYSTIC KIDNEY DISEASE, ADULT, TYPE I. Identifiers: MedGen C3149841, MONDO:0008263, OMIM 173900.

gnomAD v4.1: 3 of 1,552,470 alleles (0.00019%); highest among the groups gnomAD compares: South Asian, 0.0024%; no homozygotes.

Submissions (2):

Fulgent Genetics
Classification: Uncertain significance for Polycystic kidney disease, adult type. Last evaluated: 2024-04-01. Review status: criteria provided, single submitter. Criteria: ACMG Guidelines, 2015. Collection method: clinical testing. Allele origin: germline.

Department of Pathology and Laboratory Medicine, Sinai Health System
Classification: Uncertain significance. Review status: no assertion criteria provided. Collection method: clinical testing. Allele origin: unknown. Affected: yes. Study: The Canadian Open Genetics Repository (COGR). Not counted in ClinVar's aggregate classification.
Comment: The PKD1 p.T3493R variant was not identified in the literature nor was it identified in dbSNP, ClinVar or in the following control databases: the 1000 Genomes Project, the NHLBI GO Exome Sequencing Project, or the Genome Aggregation Database (March 6, 2019, v2.1.1). The p.T3493 residue is conserved in mammals however computational analyses (MUT Assesor, PolyPhen-2, SIFT, MutationTaster, Revel, FATHMM, MetaLR, DANN) do not suggest a high likelihood of impact to the protein; this information is not predictive enough to rule out pathogenicity. The variant occurs outside of the splicing consensus sequence and in silico or computational prediction software programs (Splice AI exome) do not predict a deleterious effect on splicing. In summary, based on the above information the clinical significance of this variant cannot be determined with certainty at this time. This variant is classified as a variant of uncertain significance.

NM_001009944.3(PKD1):c.10481C>G (p.Thr3494Arg)

Gene: PKD1 (polycystin 1, transient receptor potential channel interacting; minus strand). Cytogenetic location: 16p13.3.
Variant type: single nucleotide variant.
Coding change: c.10481C>G on transcript NM_001009944.3 (MANE Select); coding-DNA position 10481, C replaced by G.
Protein change: p.Thr3494Arg; replaces threonine 3494 with arginine.
Molecular consequence: missense variant.
Genome position (GRCh38, 1-based): chr16:2,097,166, G>C on the plus strand (C>G on the coding strand, the complement: PKD1 is on the minus strand). VCF-style: chr16-2097166-G-C. GRCh37 (hg19) VCF-style: chr16-2147167-G-C.
Other names: c.10478C>G, p.Thr3493Arg (NM_000296.4); short protein forms T3493R, T3494R.
Identifiers: ClinVar variation 1050482 (VCV001050482.3), dbSNP rs752503970, ClinGen allele CA394344303.